The following is an entry in ClinVar:

NM_032119.4(ADGRV1):c.7813T>G (p.Leu2605Val)

Gene: ADGRV1 (adhesion G protein-coupled receptor V1; plus strand). Cytogenetic location: 5q14.3.
Variant type: single nucleotide variant.
Coding change: c.7813T>G on transcript NM_032119.4 (MANE Select); coding-DNA position 7813, T replaced by G.
Protein change: p.Leu2605Val; replaces leucine 2605 with valine.
Molecular consequence: missense variant. On other transcripts: non-coding transcript variant (1).
Genome position (GRCh38, 1-based): chr5:90,694,569, T>G. VCF-style: chr5-90694569-T-G. GRCh37 (hg19) VCF-style: chr5-89990386-T-G.
Other names: short protein forms L2605V.
Identifiers: ClinVar variation 46380 (VCV000046380.23), dbSNP rs79915053, ClinGen allele CA138226.
Genomic context (GRCh38, chr5:90,694,569, plus strand): 5'-ATTAGTCCCAATACTTCCGAAGATGGCTTATTTGTTGAAGTTCAGGAGCAGCCCCAAACC[T>G]TGGTGGAGCTGATGATACACAGGACAGGGGGCAGCTTAGGTCAAGTGGCAGTCGAATGGC-3'
Protein context (NP_115495.3, residues 2595-2615): FVEVQEQPQT[Leu2605Val]VELMIHRTGG

ClinVar aggregate classification (germline): Benign. Review status: criteria provided, multiple submitters, no conflicts (2 of 4 stars). 6 submissions from 6 submitters: Benign (5). 1 of the submissions does not count toward it. Last evaluated 2026-02-02.

Conditions:
Usher syndrome type 2C. Also called: Usher syndrome, type 2B; USHER SYNDROME, TYPE IIC. Identifiers: Orphanet 231178, Orphanet 886, MedGen C2931213, MONDO:0011558, OMIM 605472.

Allele frequency attached by ClinVar (database versions not stated): gnomAD exomes 0.00360 and 0.00140; ExAC 0.00426; 1000 Genomes Project 0.01458; 1000 Genomes Project 30x 0.01468; ESP Exome Variant Server 0.01472; gnomAD 0.01559 and 0.01674; TOPMed 0.01658.
gnomAD v4.1: 4,478 of 1,613,784 alleles (0.28%); highest among the groups gnomAD compares: African/African-American, 5.3%; 84 homozygotes.

Submissions (6):

Labcorp Genetics (formerly Invitae), Labcorp
Classification: Benign. Last evaluated: 2026-02-02. Review status: criteria provided, single submitter. Criteria: Invitae Variant Classification Sherloc (09022015). Collection method: clinical testing. Allele origin: germline.

Illumina Laboratory Services, Illumina
Classification: Benign for Usher syndrome type 2C. Last evaluated: 2018-01-12. Review status: criteria provided, single submitter. Criteria: ICSL Variant Classification Criteria 13 December 2019. Collection method: clinical testing. Allele origin: germline.
Comment: This variant was observed in the ICSL laboratory as part of a predisposition screen in an ostensibly healthy population. It had not been previously curated by ICSL or reported in the Human Gene Mutation Database (HGMD: prior to June 1st, 2018), and was therefore a candidate for classification through an automated scoring system. Utilizing variant allele frequency, disease prevalence and penetrance estimates, and inheritance mode, an automated score was calculated to assess if this variant is too frequent to cause the disease. Based on the score and internal cut-off values, a variant classified as benign is not then subjected to further curation. The score for this variant resulted in a classification of benign for this disease.

GeneDx
Classification: Benign. Last evaluated: 2016-10-27. Review status: criteria provided, single submitter. Criteria: GeneDx Variant Classification (06012015). Collection method: clinical testing. Allele origin: germline. Affected: yes.
Comment: This variant is considered likely benign or benign based on one or more of the following criteria: it is a conservative change, it occurs at a poorly conserved position in the protein, it is predicted to be benign by multiple in silico algorithms, and/or has population frequency not consistent with disease.

Center for Pediatric Genomic Medicine, Children's Mercy Hospital and Clinics
Classification: Benign. Last evaluated: 2015-05-21. Review status: criteria provided, single submitter. Criteria: ACMG Guidelines, 2015. Collection method: clinical testing. Allele origin: germline.

Laboratory for Molecular Medicine, Mass General Brigham Personalized Medicine
Classification: Benign. Last evaluated: 2011-07-07. Review status: criteria provided, single submitter. Criteria: LMM Criteria. Collection method: clinical testing. Allele origin: germline. Observed: 24 variant alleles.
Comment: Leu2605Val in exon 33 of GPR98: This variant is not expected to have clinical si gnificance because this variant has been identified in 14/168 (8.3%) of West Afr ican chromosomes (rs79915053). In addition, the Leu2605 residue is not conserved in mammals or lower species and computational analyses do not predict a high li kelihood of clinical significance.

Genetic Services Laboratory, University of Chicago
Classification: Likely benign. Review status: no assertion criteria provided. Collection method: clinical testing. Allele origin: germline. Inheritance: Autosomal dominant inheritance. Not counted in ClinVar's aggregate classification.
Comment: Likely benign based on allele frequency in 1000 Genomes Project or ESP global frequency and its presence in a patient with a rare or unrelated disease phenotype. NOT Sanger confirmed